The following is an entry in ClinVar:

ClinVar aggregate classification (germline): Uncertain significance (1 of 4 stars; one submission).

Submission:

Labcorp Genetics (formerly Invitae), Labcorp
Classification: Uncertain significance. Last evaluated: 2021-12-20. Review status: criteria provided, single submitter. Criteria: Invitae Variant Classification Sherloc (09022015). Collection method: clinical testing. Allele origin: germline.
Comment: Experimental studies and prediction algorithms are not available or were not evaluated, and the functional significance of this variant is currently unknown. This variant has not been reported in the literature in individuals affected with VPS13A-related conditions. This variant results in a copy number gain of the genomic region encompassing exon(s) 72 of the VPS13A gene. This region includes the termination codon of the gene. This copy number gain extends beyond the assayed region for this gene and therefore may encompass additional genes. As the precise location of this event is unknown, it may be in tandem or it may be located elsewhere in the genome. In summary, the available evidence is currently insufficient to determine the role of this variant in disease. Therefore, it has been classified as a Variant of Uncertain Significance.

NC_000009.11:g.(?_80030862)_(80030932_?)dup

Gene: VPS13A (vacuolar protein sorting 13 homolog A; plus strand). Cytogenetic location: 9q21.2.
Variant type: Duplication.
Identifiers: ClinVar variation 2427131 (VCV002427131.4).